The following is an entry in ClinVar:

NM_015404.4(WHRN):c.2540A>G (p.Gln847Arg)

Gene: WHRN (whirlin; minus strand). Cytogenetic location: 9q32.
Variant type: single nucleotide variant.
Coding change: c.2540A>G on transcript NM_015404.4 (MANE Select); coding-DNA position 2540, A replaced by G.
Protein change: p.Gln847Arg; replaces glutamine 847 with arginine.
Molecular consequence: missense variant.
Genome position (GRCh38, 1-based): chr9:114,403,218, T>C on the plus strand (A>G on the coding strand, the complement: WHRN is on the minus strand). VCF-style: chr9-114403218-T-C. GRCh37 (hg19) VCF-style: chr9-117165498-T-C.
Other names: c.2537A>G, p.Gln846Arg (NM_001173425.2); c.1487A>G, p.Gln496Arg (NM_001346890.1); c.2540A>G (NM_015404.3, NM_015404.2); c.1391A>G, p.Gln464Arg (NM_001083885.3); short protein forms Q496R, Q847R, Q464R, Q846R.
Identifiers: ClinVar variation 1044647 (VCV001044647.9), dbSNP rs545326842, ClinGen allele CA5205600.

ClinVar aggregate classification (germline): Uncertain significance. Review status: criteria provided, multiple submitters, no conflicts (2 of 4 stars). 4 submissions from 4 submitters: Uncertain significance (4). Last evaluated 2025-09-22.

Allele frequency attached by ClinVar (database versions not stated): gnomAD exomes 0.00002 and 0.00013; gnomAD 0.00004 and 0.00005; ExAC 0.00015; 1000 Genomes Project 0.00020; 1000 Genomes Project 30x 0.00016; TOPMed 0.00006.
gnomAD v4.1: 35 of 1,614,158 alleles (0.0022%); highest among the groups gnomAD compares: East Asian, 0.074%; no homozygotes.

Submissions (4):

Women's Health and Genetics/Laboratory Corporation of America, LabCorp
Classification: Uncertain significance. Last evaluated: 2025-09-22. Review status: criteria provided, single submitter. Criteria: LabCorp Variant Classification Summary - May 2015. Collection method: clinical testing. Allele origin: germline.
Comment: Variant summary: WHRN c.2540A>G (p.Gln847Arg) results in a conservative amino acid change located in the PDZ domain (IPR001478) of the encoded protein sequence. Algorithms developed to predict the effect of missense changes on protein structure and function are either unavailable or do not agree on the potential impact of this missense change. In addition this variant affects the penultimate nucleotide of exon 11, and thus may affect splicing. Several computational tools predict a significant impact on normal splicing: three predict the variant slightly weakens a 5' donor site. However, these predictions have yet to be confirmed by functional studies. The variant allele was found at a frequency of 0.00013 in 251368 control chromosomes. This frequency is not significantly higher than estimated for disease-causing variants in WHRN, allowing no conclusion about variant significance. c.2540A>G has been observed in individual(s) affected with WHRN-related conditions (e.g., Gu_2015, Xu_2015, Chen_2016). These data do not allow any conclusion about variant significance. To our knowledge, no experimental evidence demonstrating an impact on protein function has been reported. The following publications have been ascertained in the context of this evaluation (PMID: 27610647, 24853665, 25999675). ClinVar contains an entry for this variant (Variation ID: 1044647). Based on the evidence outlined above, the variant was classified as uncertain significance.

GeneDx
Classification: Uncertain significance. Last evaluated: 2024-09-25. Review status: criteria provided, single submitter. Criteria: GeneDx Variant Classification Process June 2021. Collection method: clinical testing. Allele origin: germline. Affected: yes.
Comment: Reported in a patient with hearing loss in published literature (PMID: 27610647); Reported in a patient with retinitis pigmentosa in published literature (PMID: 25999675); In silico analysis indicates that this missense variant does not alter protein structure/function; This variant is associated with the following publications: (PMID: 34426522, 27610647, 25999675, 24853665)

Blueprint Genetics
Classification: Uncertain significance. Last evaluated: 2023-07-17. Review status: criteria provided, single submitter. Criteria: ACMG Guidelines, 2015. Collection method: clinical testing. Allele origin: germline.

Labcorp Genetics (formerly Invitae), Labcorp
Classification: Uncertain significance. Last evaluated: 2021-08-27. Review status: criteria provided, single submitter. Criteria: Invitae Variant Classification Sherloc (09022015). Collection method: clinical testing. Allele origin: germline.
Comment: This sequence change replaces glutamine with arginine at codon 847 of the WHRN protein (p.Gln847Arg). The glutamine residue is highly conserved and there is a small physicochemical difference between glutamine and arginine. This variant is present in population databases (rs545326842, ExAC 0.2%). This variant has not been reported in the literature in individuals affected with WHRN-related conditions. Algorithms developed to predict the effect of missense changes on protein structure and function are either unavailable or do not agree on the potential impact of this missense change (SIFT: "Tolerated"; PolyPhen-2: "Probably Damaging"; Align-GVGD: "Class C0"). In summary, the available evidence is currently insufficient to determine the role of this variant in disease. Therefore, it has been classified as a Variant of Uncertain Significance.

Literature cited by the submitters: PubMed 25999675 (cited by Women's Health and Genetics/Laboratory Corporation of America, LabCorp); PubMed 27610647 (cited by Women's Health and Genetics/Laboratory Corporation of America, LabCorp); PubMed 24853665 (cited by Women's Health and Genetics/Laboratory Corporation of America, LabCorp).